The following is an entry in ClinVar:

NM_000287.4(PEX6):c.2866G>T (p.Ala956Ser)

Gene: PEX6 (peroxisomal biogenesis factor 6; minus strand). Cytogenetic location: 6p21.1.
Variant type: single nucleotide variant.
Coding change: c.2866G>T on transcript NM_000287.4 (MANE Select); coding-DNA position 2866, G replaced by T.
Protein change: p.Ala956Ser; replaces alanine 956 with serine.
Molecular consequence: missense variant. On other transcripts: non-coding transcript variant (1).
Genome position (GRCh38, 1-based): chr6:42,964,412, C>A on the plus strand (G>T on the coding strand, the complement: PEX6 is on the minus strand). VCF-style: chr6-42964412-C-A. GRCh37 (hg19) VCF-style: chr6-42932150-C-A.
Other names: c.2602G>T, p.Ala868Ser (NM_001316313.2); short protein forms A868S, A956S.
Identifiers: ClinVar variation 1008571 (VCV001008571.5), dbSNP rs774145857, ClinGen allele CA364149388.

ClinVar aggregate classification (germline): Uncertain significance. Review status: criteria provided, single submitter (1 of 4 stars). 2 submissions from 2 submitters: Uncertain significance (1). 1 of the submissions does not count toward it. Last evaluated 2022-07-12.

Conditions:
Zellweger spectrum disorders (ZS). Also called: Zellweger Spectrum Disorder (ZSD); Zellweger Spectrum Disorder; Zellweger Spectrum; Zellweger syndrome. Identifiers: Orphanet 912, MedGen C0043459, MONDO:0019609.
Peroxisome biogenesis disorder. Identifiers: Orphanet 79189, MedGen C1832200, MONDO:0019234. Disease mechanism: loss of function.

gnomAD v4.1: 9 of 1,613,802 alleles (0.00056%); highest among the groups gnomAD compares: Non-Finnish European, 0.00068%; no homozygotes.

Submissions (2):

Labcorp Genetics (formerly Invitae), Labcorp
Classification: Uncertain significance for Peroxisome biogenesis disorder. Last evaluated: 2022-07-12. Review status: criteria provided, single submitter. Criteria: Invitae Variant Classification Sherloc (09022015). Collection method: clinical testing. Allele origin: germline.
Comment: This sequence change replaces alanine, which is neutral and non-polar, with serine, which is neutral and polar, at codon 956 of the PEX6 protein (p.Ala956Ser). The frequency data for this variant in the population databases is considered unreliable, as metrics indicate poor data quality at this position in the gnomAD database. This variant has not been reported in the literature in individuals affected with PEX6-related conditions. ClinVar contains an entry for this variant (Variation ID: 1008571). Algorithms developed to predict the effect of missense changes on protein structure and function (SIFT, PolyPhen-2, Align-GVGD) all suggest that this variant is likely to be tolerated. In summary, the available evidence is currently insufficient to determine the role of this variant in disease. Therefore, it has been classified as a Variant of Uncertain Significance.

Natera, Inc.
Classification: Uncertain significance for Zellweger syndrome. Last evaluated: 2020-04-17. Review status: no assertion criteria provided. Collection method: clinical testing. Allele origin: germline. Not counted in ClinVar's aggregate classification.